The following is an entry in ClinVar:

ClinVar aggregate classification (germline): Likely pathogenic (1 of 4 stars; one submission).

Submission:

Labcorp Genetics (formerly Invitae), Labcorp
Classification: Likely pathogenic. Last evaluated: 2022-06-08. Review status: criteria provided, single submitter. Criteria: Invitae Variant Classification Sherloc (09022015). Collection method: clinical testing. Allele origin: germline.
Comment: Algorithms developed to predict the effect of sequence changes on RNA splicing suggest that this variant may disrupt the consensus splice site. This variant has not been reported in the literature in individuals affected with ALPL-related conditions. This variant is not present in population databases (gnomAD no frequency). This sequence change affects a donor splice site in intron 7 of the ALPL gene. It is expected to disrupt RNA splicing. Variants that disrupt the donor or acceptor splice site typically lead to a loss of protein function (PMID: 16199547), and loss-of-function variants in ALPL are known to be pathogenic (PMID: 3174660, 10679946, 19500388). In summary, the currently available evidence indicates that the variant is pathogenic, but additional data are needed to prove that conclusively. Therefore, this variant has been classified as Likely Pathogenic.

Literature cited by the submitters: PubMed 16199547; PubMed 3174660; PubMed 10679946; PubMed 19500388.

NM_000478.6(ALPL):c.792+1G>C

Gene: ALPL (alkaline phosphatase, biomineralization associated; plus strand). Cytogenetic location: 1p36.12.
Variant type: single nucleotide variant.
Coding change: c.792+1G>C on transcript NM_000478.6 (MANE Select); the canonical splice donor site of the intron after coding-DNA position 792, G replaced by C.
Molecular consequence: splice donor variant.
Genome position (GRCh38, 1-based): chr1:21,568,248, G>C. VCF-style: chr1-21568248-G-C. GRCh37 (hg19) VCF-style: chr1-21894741-G-C.
Other names: c.792+1G>C (NM_001369805.2, NM_001369804.2, NM_001369803.2); c.627+1G>C (NM_001127501.4); c.561+1G>C (NM_001177520.3).
Identifiers: ClinVar variation 2003520 (VCV002003520.4), dbSNP rs2545317849, ClinGen allele CA338879515.